The following is an entry in ClinVar:

NM_001127178.3(PIGG):c.452C>T (p.Ala151Val)

Gene: PIGG (phosphatidylinositol glycan anchor biosynthesis class G (EMM blood group); plus strand). Cytogenetic location: 4p16.3.
Variant type: single nucleotide variant.
Coding change: c.452C>T on transcript NM_001127178.3 (MANE Select); coding-DNA position 452, C replaced by T.
Protein change: p.Ala151Val; replaces alanine 151 with valine.
Molecular consequence: missense variant. On other transcripts: 5 prime UTR variant (4), non-coding transcript variant (10), intron variant (1).
Genome position (GRCh38, 1-based): chr4:505,809, C>T. VCF-style: chr4-505809-C-T. GRCh37 (hg19) VCF-style: chr4-499598-C-T.
Other names: c.185C>T, p.Ala62Val (NM_001289051.2, NM_001289053.2, NM_001289057.2 and 2 more transcripts); c.86C>T, p.Ala29Val (NM_001289055.2); c.-436C>T (NM_001345988.2); c.452C>T, p.Ala151Val (NM_001345989.2, NM_017733.5); c.-1174C>T (NM_001345990.2); c.-1036C>T (NM_001345991.2); c.-761C>T (NM_001345994.2); c.361-3020C>T (NM_001289052.2); short protein forms A151V, A29V, A62V.
Identifiers: ClinVar variation 4746923 (VCV004746923.1).
Genomic context (GRCh38, chr4:505,809, plus strand): 5'-TCGACGTCATCAGGAACCTCAATTCTCCTGCACTGCTGGAAGACAGTGTGATAAGACAAG[C>T]AAAAGCAGCTGGAAAAAGAATAGTCTTTTATGGAGATGAAACCTGGGTTAAATTATTCCC-3'
Protein context (NP_001120650.1, residues 141-161): ALLEDSVIRQ[Ala151Val]KAAGKRIVFY

ClinVar aggregate classification (germline): Uncertain significance (1 of 4 stars; one submission).

Conditions:
Intellectual disability, autosomal recessive 53 (NEDHSCA). Also called: NEURODEVELOPMENTAL DISORDER WITH OR WITHOUT HYPOTONIA, SEIZURES, AND CEREBELLAR ATROPHY; GLYCOSYLPHOSPHATIDYLINOSITOL BIOSYNTHESIS DEFECT 13; Mental retardation, autosomal recessive 53. Identifiers: Orphanet 488635, MedGen C4310794, MONDO:0014832, OMIM 616917.

Submission:

Labcorp Genetics (formerly Invitae), Labcorp
Classification: Uncertain significance for Intellectual disability, autosomal recessive 53. Last evaluated: 2025-04-14. Review status: criteria provided, single submitter. Criteria: Invitae Variant Classification Sherloc (09022015). Collection method: clinical testing. Allele origin: germline.
Comment: This sequence change replaces alanine, which is neutral and non-polar, with valine, which is neutral and non-polar, at codon 151 of the PIGG protein (p.Ala151Val). This variant is not present in population databases (gnomAD no frequency). This variant has not been reported in the literature in individuals affected with PIGG-related conditions. Invitae Evidence Modeling of protein sequence and biophysical properties (such as structural, functional, and spatial information, amino acid conservation, physicochemical variation, residue mobility, and thermodynamic stability) indicates that this missense variant is not expected to disrupt PIGG protein function with a negative predictive value of 80%. In summary, the available evidence is currently insufficient to determine the role of this variant in disease. Therefore, it has been classified as a Variant of Uncertain Significance.